The following is an entry in ClinVar:

ClinVar aggregate classification (germline): Uncertain significance. Review status: criteria provided, multiple submitters, no conflicts (2 of 4 stars). 2 submissions from 2 submitters: Uncertain significance (2). Last evaluated 2026-02-03.

Conditions:
Curry-Hall syndrome (WAD). Also called: WEYERS ACRODENTAL DYSOSTOSIS. Identifiers: Orphanet 952, MedGen C0457013, MONDO:0008673, OMIM 193530.
Ellis-van Creveld syndrome (EVC). Also called: MESOECTODERMAL DYSPLASIA; Chondroectodermal dysplasia. Identifiers: Orphanet 289, MedGen C0013903, MONDO:0009162, OMIM 225500.

Allele frequency attached by ClinVar (database versions not stated): gnomAD exomes below 0.00001; gnomAD 0.00001.
gnomAD v4.1: 11 of 1,613,966 alleles (0.00068%); highest among the groups gnomAD compares: East Asian, 0.0045%; no homozygotes.

Submissions (2):

GeneDx
Classification: Uncertain significance. Last evaluated: 2026-02-03. Review status: criteria provided, single submitter. Criteria: GeneDx Variant Classification Process June 2021. Collection method: clinical testing. Allele origin: germline.
Comment: Not observed at significant frequency in large population cohorts (gnomAD); In silico analysis suggests that this missense variant does not alter protein structure/function; Has not been previously published as pathogenic or benign to our knowledge

Labcorp Genetics (formerly Invitae), Labcorp
Classification: Uncertain significance for Curry-Hall syndrome; Ellis-van Creveld syndrome. Last evaluated: 2022-09-21. Review status: criteria provided, single submitter. Criteria: Invitae Variant Classification Sherloc (09022015). Collection method: clinical testing. Allele origin: germline.
Comment: This sequence change replaces isoleucine, which is neutral and non-polar, with valine, which is neutral and non-polar, at codon 146 of the EVC2 protein (p.Ile146Val). This variant is not present in population databases (gnomAD no frequency). This variant has not been reported in the literature in individuals affected with EVC2-related conditions. Algorithms developed to predict the effect of missense changes on protein structure and function output the following: SIFT: "Tolerated"; PolyPhen-2: "Benign"; Align-GVGD: "Class C0". The valine amino acid residue is found in multiple mammalian species, which suggests that this missense change does not adversely affect protein function. In summary, the available evidence is currently insufficient to determine the role of this variant in disease. Therefore, it has been classified as a Variant of Uncertain Significance.

NM_147127.5(EVC2):c.436A>G (p.Ile146Val)

Gene: EVC2 (EvC ciliary complex subunit 2; minus strand). Cytogenetic location: 4p16.2.
Variant type: single nucleotide variant.
Coding change: c.436A>G on transcript NM_147127.5 (MANE Select); coding-DNA position 436, A replaced by G.
Protein change: p.Ile146Val; replaces isoleucine 146 with valine.
Molecular consequence: missense variant.
Genome position (GRCh38, 1-based): chr4:5,694,349, T>C on the plus strand (A>G on the coding strand, the complement: EVC2 is on the minus strand). VCF-style: chr4-5694349-T-C. GRCh37 (hg19) VCF-style: chr4-5696076-T-C.
Other names: c.196A>G, p.Ile66Val (NM_001166136.2); c.436A>G (NM_147127.4); short protein forms I66V, I146V.
Identifiers: ClinVar variation 2196047 (VCV002196047.2), dbSNP rs1721324112, ClinGen allele CA356150264.